The following is an entry in ClinVar:

ClinVar aggregate classification (germline): Conflicting classifications of pathogenicity. Review status: criteria provided, conflicting classifications (1 of 4 stars). 5 submissions from 5 submitters: Uncertain significance (2); Likely benign (2). 1 of the submissions does not count toward it. Last evaluated 2025-07-29.

Conditions:
Tuberous sclerosis 2 (TSC2). Identifiers: Orphanet 805, MedGen C1860707, MONDO:0013199, OMIM 613254.
TSC2-related disorder. Also called: TSC2-related condition; TSC2-Related Disorders.
Hereditary cancer-predisposing syndrome. Also called: Hereditary neoplastic syndrome; Neoplastic Syndromes, Hereditary; Tumor predisposition; Hereditary Cancer Syndrome. Identifiers: Orphanet 140162, MedGen C0027672, MeSH D009386, MONDO:0015356.
Tuberous sclerosis syndrome (TSC). Also called: Tuberous Sclerosis Complex; Tuberous sclerosis. Identifiers: Orphanet 805, MedGen C0041341, MONDO:0001734.

Submissions (5):

Labcorp Genetics (formerly Invitae), Labcorp
Classification: Likely benign for Tuberous sclerosis 2. Last evaluated: 2025-07-29. Review status: criteria provided, single submitter. Criteria: Invitae Variant Classification Sherloc (09022015). Collection method: clinical testing. Allele origin: germline.

Color Diagnostics, LLC DBA Color Health
Classification: Uncertain significance for Tuberous sclerosis syndrome. Last evaluated: 2025-07-03. Review status: criteria provided, single submitter. Criteria: ACMG Guidelines, 2015. Collection method: clinical testing. Allele origin: germline.
Comment: This variant causes a deletion of 23 nucleotides in intron 11 of the TSC2 gene. Splice site prediction tools suggest that this variant may not impact RNA splicing. To our knowledge, functional studies have not been reported for this variant. This variant has not been reported in individuals affected with TSC2-related disorders in the literature. This variant has not been identified in the general population by the Genome Aggregation Database (gnomAD). The available evidence is insufficient to determine the role of this variant in disease conclusively. Therefore, this variant is classified as a Variant of Uncertain Significance.

GeneDx
Classification: Likely benign. Last evaluated: 2023-12-19. Review status: criteria provided, single submitter. Criteria: GeneDx Variant Classification Process June 2021. Collection method: clinical testing. Allele origin: germline. Affected: yes.
Comment: See Variant Classification Assertion Criteria.

Sema4
Classification: Uncertain significance for Hereditary cancer-predisposing syndrome. Last evaluated: 2022-02-17. Review status: criteria provided, single submitter. Criteria: Sema4 Curation Guidelines. Collection method: curation. Allele origin: germline.
Comment: The TSC2 c.1119+6_1119+28del variant has not been reported in the literature to our knowledge. It was not observed in the large and broad cohorts of the Genome Aggregation Database (PMID: 32461654). This variant has been reported in ClinVar (Variation ID 467844). Functional studies have not been performed and in silico predictions suggest the variant does not affect RNA splicing. The evidence is insufficient to meet ACMG/AMP criteria for classifying the variant as benign or pathogenic. Thus, the clinical significance of this variant is currently uncertain.

PreventionGenetics, part of Exact Sciences
Classification: Likely benign for TSC2-related condition. Last evaluated: 2022-10-25. Review status: no assertion criteria provided. Collection method: clinical testing. Allele origin: germline. Not counted in ClinVar's aggregate classification.
Comment: This variant is classified as likely benign based on ACMG/AMP sequence variant interpretation guidelines (Richards et al. 2015 PMID: 25741868, with internal and published modifications).

NM_000548.5(TSC2):c.1119+6_1119+28del

Gene: TSC2 (TSC complex subunit 2; plus strand). Cytogenetic location: 16p13.3.
Variant type: Deletion.
Coding change: c.1119+6_1119+28del on transcript NM_000548.5 (MANE Select); bases 6 to 28 of the intron after coding-DNA position 1119, 23 bases deleted (GTGGGGGCAGGAGCTCCGGGGAG).
Molecular consequence: intron variant.
Genome position (GRCh38, 1-based): chr16:2,060,819-2,060,841, GTGGGGGCAGGAGCTCCGGGGAG deleted; deleting any 23 consecutive bases within chr16:2,060,818-2,060,841 gives the same sequence; the c. name uses the placement nearest the transcript's 3' end. VCF-style (leftmost placement, unchanged base first): chr16-2060817-GGGTGGGGGCAGGAGCTCCGGGGA-G. GRCh37 (hg19) VCF-style: chr16-2110818-GGGTGGGGGCAGGAGCTCCGGGGA-G.
Other names: c.1119+6_1119+28del (NM_001114382.3, NM_021055.3, NM_001370405.1 and 4 more transcripts); c.1008+6_1008+28del (NM_001318827.2); c.519+6_519+28del (NM_001318831.2); c.972+6_972+28del (NM_001318829.2); c.1152+6_1152+28del (NM_001318832.2); c.1119+6_1119+28del23 (NM_000548.4).
Identifiers: ClinVar variation 467844 (VCV000467844.15), dbSNP rs1358834036, ClinGen allele CA658658349.